The following is an entry in ClinVar:

NM_015072.5(TTLL5):c.976del (p.Ile326fs)

Gene: TTLL5 (tubulin tyrosine ligase like 5; plus strand). Cytogenetic location: 14q24.3.
Variant type: Deletion.
Coding change: c.976del on transcript NM_015072.5 (MANE Select); coding-DNA position 976, one base deleted (A; older notation c.976delA).
Protein change: p.Ile326fs; shifts the reading frame from isoleucine 326.
Molecular consequence: frameshift variant.
Genome position (GRCh38, 1-based): chr14:75,720,637, A deleted; the last of 2 consecutive A bases (chr14:75,720,636-75,720,637); deleting either gives the same sequence. VCF-style (leftmost placement, unchanged base first): chr14-75720635-TA-T. GRCh37 (hg19) VCF-style: chr14-76186978-TA-T.
Other names: short protein forms I326fs.
Identifiers: ClinVar variation 966003 (VCV000966003.7), dbSNP rs1887780037, ClinGen allele CA1139663567.

ClinVar aggregate classification (germline): Pathogenic (1 of 4 stars; one submission).

Submission:

Labcorp Genetics (formerly Invitae), Labcorp
Classification: Pathogenic. Last evaluated: 2023-08-04. Review status: criteria provided, single submitter. Criteria: Invitae Variant Classification Sherloc (09022015). Collection method: clinical testing. Allele origin: germline.
Comment: For these reasons, this variant has been classified as Pathogenic. ClinVar contains an entry for this variant (Variation ID: 966003). This sequence change creates a premature translational stop signal (p.Ile326Serfs*5) in the TTLL5 gene. It is expected to result in an absent or disrupted protein product. Loss-of-function variants in TTLL5 are known to be pathogenic (PMID: 24791901, 27162334). This variant is not present in population databases (gnomAD no frequency). This variant has not been reported in the literature in individuals affected with TTLL5-related conditions.

Literature cited by the submitters: PubMed 24791901; PubMed 27162334.